The following is an entry in ClinVar:

ClinVar aggregate classification (germline): Uncertain significance (1 of 4 stars; one submission).

Conditions:
Cardiovascular phenotype. Identifiers: MedGen CN230736.

gnomAD v4.1: 3 of 1,613,980 alleles (0.00019%); highest among the groups gnomAD compares: South Asian, 0.0011%; no homozygotes.

Submission:

Ambry Genetics
Classification: Uncertain significance for Cardiovascular phenotype. Last evaluated: 2025-09-05. Review status: criteria provided, single submitter. Criteria: Ambry Variant Classification Scheme 2023. Collection method: clinical testing. Allele origin: germline.
Comment: The p.G1603R variant (also known as c.4807G>A), located in coding exon 8 of the ALMS1 gene, results from a G to A substitution at nucleotide position 4807. The glycine at codon 1603 is replaced by arginine, an amino acid with dissimilar properties. This amino acid position is well conserved in available vertebrate species. In addition, this alteration is predicted to be tolerated by in silico analysis. Based on the available evidence, the clinical significance of this variant remains unclear.

NM_001378454.1(ALMS1):c.4804G>A (p.Gly1602Arg)

Gene: ALMS1 (ALMS1 centrosome and basal body associated protein; plus strand). Cytogenetic location: 2p13.1.
Variant type: single nucleotide variant.
Coding change: c.4804G>A on transcript NM_001378454.1 (MANE Select); coding-DNA position 4804, G replaced by A.
Protein change: p.Gly1602Arg; replaces glycine 1602 with arginine.
Molecular consequence: missense variant.
Genome position (GRCh38, 1-based): chr2:73,451,331, G>A. VCF-style: chr2-73451331-G-A. GRCh37 (hg19) VCF-style: chr2-73678458-G-A.
Other names: c.4807G>A, p.Gly1603Arg (NM_015120.4); short protein forms G1603R, G1602R.
Identifiers: ClinVar variation 4275352 (VCV004275352.1).
Genomic context (GRCh38, chr2:73,451,331, plus strand): 5'-AAACAGGCCTTTCCAGATGGTCATCTACCTGAAGAGGCTCTGAAAGTTTCCATTGTTTCT[G>A]GACCTACTGAAAAAAAGACTGACATACCAGCAGGACCTTTAGGTTCCAGTGCACTTGGAG-3'
Protein context (NP_001365383.1, residues 1592-1612): EEALKVSIVS[Gly1602Arg]PTEKKTDIPA